The following is an entry in ClinVar:

NM_020461.4(TUBGCP6):c.1586G>A (p.Cys529Tyr)

Gene: TUBGCP6 (tubulin gamma complex component 6; minus strand). Cytogenetic location: 22q13.33.
Variant type: single nucleotide variant.
Coding change: c.1586G>A on transcript NM_020461.4 (MANE Select); coding-DNA position 1586, G replaced by A.
Protein change: p.Cys529Tyr; replaces cysteine 529 with tyrosine.
Molecular consequence: missense variant.
Genome position (GRCh38, 1-based): chr22:50,226,748, C>T on the plus strand (G>A on the coding strand, the complement: TUBGCP6 is on the minus strand). VCF-style: chr22-50226748-C-T. GRCh37 (hg19) VCF-style: chr22-50665177-C-T.
Other names: short protein forms C529Y.
Identifiers: ClinVar variation 4725006 (VCV004725006.1).

ClinVar aggregate classification (germline): Uncertain significance (1 of 4 stars; one submission).

Submission:

Labcorp Genetics (formerly Invitae), Labcorp
Classification: Uncertain significance. Last evaluated: 2025-08-07. Review status: criteria provided, single submitter. Criteria: Invitae Variant Classification Sherloc (09022015). Collection method: clinical testing. Allele origin: germline.
Comment: This sequence change replaces cysteine, which is neutral and slightly polar, with tyrosine, which is neutral and polar, at codon 529 of the TUBGCP6 protein (p.Cys529Tyr). This variant is not present in population databases (gnomAD no frequency). This variant has not been reported in the literature in individuals affected with TUBGCP6-related conditions. An algorithm developed to predict the effect of missense changes on protein structure and function (PolyPhen-2) suggests that this variant is likely to be disruptive. In summary, the available evidence is currently insufficient to determine the role of this variant in disease. Therefore, it has been classified as a Variant of Uncertain Significance.